The following is an entry in ClinVar:

ClinVar aggregate classification (germline): Pathogenic (1 of 4 stars; one submission).

Conditions:
Bloom syndrome (BLM). Also called: Bloom-Torre-Machacek syndrome. Identifiers: Orphanet 125, MedGen C0005859, MONDO:0008876, OMIM 210900.

Submission:

Labcorp Genetics (formerly Invitae), Labcorp
Classification: Pathogenic for Bloom syndrome. Last evaluated: 2022-04-23. Review status: criteria provided, single submitter. Criteria: Invitae Variant Classification Sherloc (09022015). Collection method: clinical testing. Allele origin: germline.
Comment: For these reasons, this variant has been classified as Pathogenic. This sequence change creates a premature translational stop signal (p.Val874Trpfs*6) in the BLM gene. It is expected to result in an absent or disrupted protein product. Loss-of-function variants in BLM are known to be pathogenic (PMID: 17407155). This variant is not present in population databases (gnomAD no frequency). This variant has not been reported in the literature in individuals affected with BLM-related conditions.

Literature cited by the submitters: PubMed 17407155.

NM_000057.4(BLM):c.2620del (p.Val874fs)

Gene: BLM (BLM RecQ like helicase; plus strand). Cytogenetic location: 15q26.1.
Variant type: Deletion.
Coding change: c.2620del on transcript NM_000057.4 (MANE Select); coding-DNA position 2620, one base deleted (G; older notation c.2620delG).
Protein change: p.Val874fs; shifts the reading frame from valine 874.
Molecular consequence: frameshift variant.
Genome position (GRCh38, 1-based): chr15:90,782,886, G deleted; the last of 2 consecutive G bases (chr15:90,782,885-90,782,886); deleting either gives the same sequence. VCF-style (leftmost placement, unchanged base first): chr15-90782884-AG-A. GRCh37 (hg19) VCF-style: chr15-91326114-AG-A.
Other names: c.2620del, p.Val874fs (NM_001287246.2, NM_001287247.2); c.1495del, p.Val499fs (NM_001287248.2); short protein forms V499fs, V874fs.
Identifiers: ClinVar variation 2129571 (VCV002129571.4), dbSNP rs2505495592, ClinGen allele CA2580090239.